The following is an entry in ClinVar:

ClinVar aggregate classification (germline): Uncertain significance (1 of 4 stars; one submission).

Submission:

GeneDx
Classification: Uncertain significance. Last evaluated: 2017-10-24. Review status: criteria provided, single submitter. Criteria: GeneDx Variant Classification (06012015). Collection method: clinical testing. Allele origin: germline. Affected: yes.
Comment: The N204D variant has not been published as a pathogenic variant, nor has it been reported as a benign variant to our knowledge. The N204D variant is not observed in large population cohorts (Lek et al., 2016). The N204D variant is a semi-conservative amino acid substitution, which may impact secondary protein structure as these residues differ in some properties. This substitution occurs at a position that is conserved across species, and in silico analysis predicts this variant is probably damaging to the protein structure/function. Based on the currently available information, it is unclear whether this variant is a pathogenic variant or a rare benign variant.

NM_001375380.1(EBF3):c.610A>G (p.Asn204Asp)

Gene: EBF3 (EBF transcription factor 3; minus strand). Cytogenetic location: 10q26.3.
Variant type: single nucleotide variant.
Coding change: c.610A>G on transcript NM_001375380.1 (MANE Select); coding-DNA position 610, A replaced by G.
Protein change: p.Asn204Asp; replaces asparagine 204 with aspartic acid.
Molecular consequence: missense variant.
Genome position (GRCh38, 1-based): chr10:129,877,794, T>C on the plus strand (A>G on the coding strand, the complement: EBF3 is on the minus strand). VCF-style: chr10-129877794-T-C. GRCh37 (hg19) VCF-style: chr10-131676058-T-C.
Other names: c.610A>G, p.Asn204Asp (NM_001005463.3, NM_001375379.1, NM_001375389.1 and 3 more transcripts); short protein forms N204D.
Identifiers: ClinVar variation 453044 (VCV000453044.2), dbSNP rs1554904323, ClinGen allele CA378910276.